The following is an entry in ClinVar:

NM_021020.5(LZTS1):c.22A>G (p.Ile8Val)

Gene: LZTS1 (leucine zipper tumor suppressor 1; minus strand). Cytogenetic location: 8p21.3.
Variant type: single nucleotide variant.
Coding change: c.22A>G on transcript NM_021020.5 (MANE Select); coding-DNA position 22, A replaced by G.
Protein change: p.Ile8Val; replaces isoleucine 8 with valine.
Molecular consequence: missense variant.
Genome position (GRCh38, 1-based): chr8:20,255,160, T>C on the plus strand (A>G on the coding strand, the complement: LZTS1 is on the minus strand). VCF-style: chr8-20255160-T-C. GRCh37 (hg19) VCF-style: chr8-20112671-T-C.
Other names: c.22A>G, p.Ile8Val (NM_001362884.2); short protein forms I8V.
Identifiers: ClinVar variation 2703017 (VCV002703017.3), dbSNP rs2486322750, ClinGen allele CA370479177.

ClinVar aggregate classification (germline): Uncertain significance (1 of 4 stars; one submission).

Submission:

Labcorp Genetics (formerly Invitae), Labcorp
Classification: Uncertain significance. Last evaluated: 2023-12-14. Review status: criteria provided, single submitter. Criteria: Invitae Variant Classification Sherloc (09022015). Collection method: clinical testing. Allele origin: germline.
Comment: This sequence change replaces isoleucine, which is neutral and non-polar, with valine, which is neutral and non-polar, at codon 8 of the LZTS1 protein (p.Ile8Val). This variant is not present in population databases (gnomAD no frequency). This variant has not been reported in the literature in individuals affected with LZTS1-related conditions. Advanced modeling of protein sequence and biophysical properties (such as structural, functional, and spatial information, amino acid conservation, physicochemical variation, residue mobility, and thermodynamic stability) performed at Invitae indicates that this missense variant is not expected to disrupt LZTS1 protein function with a negative predictive value of 80%. In summary, the available evidence is currently insufficient to determine the role of this variant in disease. Therefore, it has been classified as a Variant of Uncertain Significance.